The following is an entry in ClinVar:

ClinVar aggregate classification (germline): Uncertain significance. Review status: criteria provided, multiple submitters, no conflicts (2 of 4 stars). 6 submissions from 6 submitters: Uncertain significance (5). 1 of the submissions does not count toward it. Last evaluated 2025-05-29.

Conditions:
Neuromuscular disease caused by qualitative or quantitative defects of dysferlin. Also called: Dysferlinopathy; Qualitative or quantitative defects of dysferlin. Identifiers: Orphanet 207073, MedGen C2931687, MONDO:0016145.
Autosomal recessive limb-girdle muscular dystrophy type 2B (LGMDR2). Also called: MUSCULAR DYSTROPHY, LIMB-GIRDLE, TYPE 3; Limb-girdle muscular dystrophy, type 2B; Limb-Girdle Muscular Dystrophy Type 2B (LGMD2B); MUSCULAR DYSTROPHY, LIMB-GIRDLE, AUTOSOMAL RECESSIVE 2. Identifiers: Orphanet 268, MedGen C1850889, MONDO:0009676, OMIM 253601.

Allele frequency attached by ClinVar (database versions not stated): ESP Exome Variant Server 0.00008; gnomAD exomes 0.00008 and 0.00011; ExAC 0.00010; TOPMed 0.00012; gnomAD 0.00015 and 0.00016.
gnomAD v4.1: 142 of 1,613,952 alleles (0.0088%); highest among the groups gnomAD compares: African/African-American, 0.023%; no homozygotes.

Submissions (6):

Athena Diagnostics
Classification: Uncertain significance. Last evaluated: 2025-05-29. Review status: criteria provided, single submitter. Criteria: Athena Diagnostics Criteria. Collection method: clinical testing. Allele origin: unknown.
Comment: Available data are insufficient to determine the clinical significance of the variant at this time. The frequency of this variant in the general population is uninformative in assessment of its pathogenicity. Polyphen and MutationTaster predict this amino acid change may be damaging to the protein.

Revvity Omics, Revvity
Classification: Uncertain significance. Last evaluated: 2024-03-25. Review status: criteria provided, single submitter. Criteria: ACMG Guidelines, 2015. Collection method: clinical testing. Allele origin: germline.

Labcorp Genetics (formerly Invitae), Labcorp
Classification: Uncertain significance for Neuromuscular disease caused by qualitative or quantitative defects of dysferlin. Last evaluated: 2022-04-12. Review status: criteria provided, single submitter. Criteria: Invitae Variant Classification Sherloc (09022015). Collection method: clinical testing. Allele origin: germline.
Comment: This sequence change replaces arginine, which is basic and polar, with cysteine, which is neutral and slightly polar, at codon 1242 of the DYSF protein (p.Arg1242Cys). This variant is present in population databases (rs369170272, gnomAD 0.02%). This variant has not been reported in the literature in individuals affected with DYSF-related conditions. ClinVar contains an entry for this variant (Variation ID: 336966). Algorithms developed to predict the effect of missense changes on protein structure and function are either unavailable or do not agree on the potential impact of this missense change (SIFT: "Tolerated"; PolyPhen-2: "Probably Damaging"; Align-GVGD: "Class C0"). In summary, the available evidence is currently insufficient to determine the role of this variant in disease. Therefore, it has been classified as a Variant of Uncertain Significance.

GeneDx
Classification: Uncertain significance. Last evaluated: 2019-07-29. Review status: criteria provided, single submitter. Criteria: GeneDx Variant Classification Process June 2021. Collection method: clinical testing. Allele origin: germline. Affected: yes.
Comment: Previously reported as a variant of uncertain significance in a patient with a clinical diagnosis of congenital myopathy who also harbored a second DYSF variant; however, parental studies were not reported (Savarese et al., 2014); In silico analysis, which includes protein predictors and evolutionary conservation, supports a deleterious effect; This variant is associated with the following publications: (PMID: 25214167)

Illumina Laboratory Services, Illumina
Classification: Uncertain significance for Qualitative or quantitative defects of dysferlin. Last evaluated: 2018-01-13. Review status: criteria provided, single submitter. Criteria: ICSL Variant Classification Criteria 13 December 2019. Collection method: clinical testing. Allele origin: germline.

Natera, Inc.
Classification: Uncertain significance for Limb-girdle muscular dystrophy type 2B. Last evaluated: 2020-09-16. Review status: no assertion criteria provided. Collection method: clinical testing. Allele origin: germline. Not counted in ClinVar's aggregate classification.

Literature cited by the submitters: PubMed 25214167 (cited by Athena Diagnostics).

NM_001130987.2(DYSF):c.3778C>T (p.Arg1260Cys)

Gene: DYSF (dysferlin; plus strand). Cytogenetic location: 2p13.2.
Variant type: single nucleotide variant.
Coding change: c.3778C>T on transcript NM_001130987.2 (MANE Select); coding-DNA position 3778, C replaced by T.
Protein change: p.Arg1260Cys; replaces arginine 1260 with cysteine.
Molecular consequence: missense variant.
Genome position (GRCh38, 1-based): chr2:71,600,723, C>T. VCF-style: chr2-71600723-C-T. GRCh37 (hg19) VCF-style: chr2-71827853-C-T.
Other names: c.3727C>T, p.Arg1243Cys (NM_001130455.2, NM_001130983.2); c.3682C>T, p.Arg1228Cys (NM_001130976.2, NM_001130977.2); c.3724C>T, p.Arg1242Cys (NM_001130978.2, NM_003494.4); c.3817C>T, p.Arg1273Cys (NM_001130979.2); c.3775C>T, p.Arg1259Cys (NM_001130980.2, NM_001130981.2); c.3820C>T, p.Arg1274Cys (NM_001130982.2); c.3685C>T, p.Arg1229Cys (NM_001130984.2, NM_001130986.2); c.3778C>T, p.Arg1260Cys (NM_001130985.2); short protein forms R1242C, R1260C, R1228C, R1243C, R1259C, R1274C, R1229C, R1273C.
Identifiers: ClinVar variation 336966 (VCV000336966.12), dbSNP rs369170272, ClinGen allele CA1706704.